The following is an entry in ClinVar:

ClinVar aggregate classification (germline): Uncertain significance (1 of 4 stars; one submission).

Allele frequency attached by ClinVar (database versions not stated): gnomAD exomes below 0.00001; TOPMed 0.00001.
gnomAD v4.1: 3 of 1,608,494 alleles (0.00019%); highest among the groups gnomAD compares: Non-Finnish European, 0.00026%; no homozygotes.

Submission:

Labcorp Genetics (formerly Invitae), Labcorp
Classification: Uncertain significance. Last evaluated: 2022-08-23. Review status: criteria provided, single submitter. Criteria: Invitae Variant Classification Sherloc (09022015). Collection method: clinical testing. Allele origin: germline.
Comment: In summary, the available evidence is currently insufficient to determine the role of this variant in disease. Therefore, it has been classified as a Variant of Uncertain Significance. Algorithms developed to predict the effect of sequence changes on RNA splicing suggest that this variant may disrupt the consensus splice site. ClinVar contains an entry for this variant (Variation ID: 1395305). This variant has not been reported in the literature in individuals affected with RGS9-related conditions. This variant is present in population databases (no rsID available, gnomAD 0.0009%). This sequence change falls in intron 12 of the RGS9 gene. It does not directly change the encoded amino acid sequence of the RGS9 protein.

NM_003835.4(RGS9):c.861-5T>G

Gene: RGS9 (regulator of G protein signaling 9; plus strand). Cytogenetic location: 17q24.1.
Variant type: single nucleotide variant.
Coding change: c.861-5T>G on transcript NM_003835.4 (MANE Select); 5 bases into the intron before coding-DNA position 861, T replaced by G.
Molecular consequence: intron variant.
Genome position (GRCh38, 1-based): chr17:65,197,121, T>G. VCF-style: chr17-65197121-T-G. GRCh37 (hg19) VCF-style: chr17-63193239-T-G.
Other names: c.852-5T>G (NM_001081955.3, NM_001165933.2).
Identifiers: ClinVar variation 1395305 (VCV001395305.6), dbSNP rs1228566246, ClinGen allele CA626893783.